The following is an entry in ClinVar:

NM_005506.4(SCARB2):c.1116G>A (p.Leu372=)

Gene: SCARB2 (scavenger receptor class B member 2; minus strand). Cytogenetic location: 4q21.1.
Variant type: single nucleotide variant.
Coding change: c.1116G>A on transcript NM_005506.4 (MANE Select); coding-DNA position 1116, G replaced by A.
Protein change: p.Leu372=; no amino-acid change (leucine 372 retained).
Molecular consequence: synonymous variant.
Genome position (GRCh38, 1-based): chr4:76,168,474, C>T on the plus strand (G>A on the coding strand, the complement: SCARB2 is on the minus strand). VCF-style: chr4-76168474-C-T. GRCh37 (hg19) VCF-style: chr4-77089627-C-T.
Other names: c.687G>A, p.Leu229= (NM_001204255.2).
Identifiers: ClinVar variation 702543 (VCV000702543.12), dbSNP rs564647544, ClinGen allele CA2970176.

ClinVar aggregate classification (germline): Conflicting classifications of pathogenicity. Review status: criteria provided, conflicting classifications (1 of 4 stars). 5 submissions from 5 submitters: Uncertain significance (1); Likely benign (4). Last evaluated 2025-10-09.

Conditions:
Inborn genetic diseases. Identifiers: MedGen C0950123, MeSH D030342.
SCARB2-related disorder. Also called: SCARB2-related condition.
Progressive myoclonic epilepsy. Also called: Progressive myoclonus epilepsy; Familial progressive myoclonic epilepsy; Myoclonic Epilepsies, Progressive; Myoclonus epilepsy. Identifiers: Orphanet 308, Orphanet 98261, MedGen C0751778, MONDO:0020074.
Action myoclonus-renal failure syndrome. Also called: SCARB2-Related Action Myoclonus-Renal Failure Syndrome; MYOCLONUS-NEPHROPATHY SYNDROME; EPILEPSY, PROGRESSIVE MYOCLONIC, 4, WITH RENAL FAILURE; EPILEPSY, PROGRESSIVE MYOCLONIC, 4, WITHOUT RENAL FAILURE. Identifiers: Orphanet 163696, MedGen C0751779, MeSH D020191, MONDO:0009699, OMIM 254900.

Allele frequency attached by ClinVar (database versions not stated): gnomAD 0.00003; TOPMed 0.00003; gnomAD exomes 0.00013; ExAC 0.00015.
gnomAD v4.1: 33 of 1,613,512 alleles (0.002%); highest among the groups gnomAD compares: East Asian, 0.067%; no homozygotes.

Submissions (5):

Labcorp Genetics (formerly Invitae), Labcorp
Classification: Likely benign for Progressive myoclonic epilepsy. Last evaluated: 2025-10-09. Review status: criteria provided, single submitter. Criteria: Invitae Variant Classification Sherloc (09022015). Collection method: clinical testing. Allele origin: germline.

PreventionGenetics, part of Exact Sciences
Classification: Likely benign for SCARB2-related condition. Last evaluated: 2025-02-15. Review status: criteria provided, single submitter. Criteria: ACMG Guidelines, 2015. Collection method: clinical testing. Allele origin: germline.
Comment: This variant is classified as likely benign based on ACMG/AMP sequence variant interpretation guidelines (Richards et al. 2015 PMID: 25741868, with internal and published modifications).

GeneDx
Classification: Uncertain significance. Last evaluated: 2024-07-02. Review status: criteria provided, single submitter. Criteria: GeneDx Variant Classification Process June 2021. Collection method: clinical testing. Allele origin: germline. Affected: yes.
Comment: In silico analysis indicates that this variant does not alter splicing; Has not been previously published as pathogenic or benign to our knowledge

Fulgent Genetics
Classification: Likely benign for Action myoclonus-renal failure syndrome. Last evaluated: 2022-01-18. Review status: criteria provided, single submitter. Criteria: ACMG Guidelines, 2015. Collection method: clinical testing. Allele origin: unknown.

Ambry Genetics
Classification: Likely benign for Inborn genetic diseases. Last evaluated: 2019-03-18. Review status: criteria provided, single submitter. Criteria: Ambry Variant Classification Scheme 2023. Collection method: clinical testing. Allele origin: germline.